The following is an entry in ClinVar:

NM_003072.5(SMARCA4):c.3382_3382+3dup

Gene: SMARCA4 (SWI/SNF related BAF chromatin remodeling complex subunit ATPase 4; plus strand). Cytogenetic location: 19p13.2.
Variant type: Duplication.
Coding change: c.3382_3382+3dup on transcript NM_003072.5 (MANE Select); coding-DNA position 3382 through 3 bases into the intron after coding-DNA position 3382, 4 bases duplicated (GGTG; older notation c.3382_3382+3dupGGTG).
Molecular consequence: splice donor variant.
Genome position (GRCh38, 1-based): chr19:11,027,950-11,027,953, GGTG duplicated. VCF-style (leftmost placement, unchanged base first): chr19-11027949-T-TGGTG. GRCh37 (hg19) VCF-style: chr19-11138625-T-TGGTG.
Other names: c.3382_3382+3dup (NM_001128844.3, NM_001128849.3, NM_001128847.4 and 5 more transcripts).
Identifiers: ClinVar variation 2024900 (VCV002024900.4), dbSNP rs2515121765, ClinGen allele CA2580096386.

ClinVar aggregate classification (germline): Uncertain significance (1 of 4 stars; one submission).

Conditions:
Rhabdoid tumor predisposition syndrome 2 (RTPS2). Identifiers: Orphanet 231108, Orphanet 69077, MedGen C2750074, MONDO:0013224, OMIM 613325.

Submission:

Labcorp Genetics (formerly Invitae), Labcorp
Classification: Uncertain significance for Rhabdoid tumor predisposition syndrome 2. Last evaluated: 2022-08-19. Review status: criteria provided, single submitter. Criteria: Invitae Variant Classification Sherloc (09022015). Collection method: clinical testing. Allele origin: germline.
Comment: This sequence change falls in intron 24 of the SMARCA4 gene. It does not directly change the encoded amino acid sequence of the SMARCA4 protein. It affects a nucleotide within the consensus splice site. This variant is not present in population databases (gnomAD no frequency). This variant has not been reported in the literature in individuals affected with SMARCA4-related conditions. Variants that disrupt the consensus splice site are a relatively common cause of aberrant splicing (PMID: 17576681, 9536098). Algorithms developed to predict the effect of sequence changes on RNA splicing suggest that this variant may create or strengthen a splice site. In summary, the available evidence is currently insufficient to determine the role of this variant in disease. Therefore, it has been classified as a Variant of Uncertain Significance.

Literature cited by the submitters: PubMed 17576681; PubMed 9536098.